The following is an entry in ClinVar:

ClinVar aggregate classification (germline): Uncertain significance (1 of 4 stars; one submission).

Conditions:
Hereditary cancer-predisposing syndrome. Also called: Neoplastic Syndromes, Hereditary; Tumor predisposition; Hereditary neoplastic syndrome; Hereditary Cancer Syndrome. Identifiers: Orphanet 140162, MedGen C0027672, MeSH D009386, MONDO:0015356.

Submission:

Ambry Genetics
Classification: Uncertain significance for Hereditary cancer-predisposing syndrome. Last evaluated: 2024-12-19. Review status: criteria provided, single submitter. Criteria: Ambry Variant Classification Scheme 2023. Collection method: clinical testing. Allele origin: germline.
Comment: The p.L370S variant (also known as c.1109T>C), located in coding exon 8 of the RAD50 gene, results from a T to C substitution at nucleotide position 1109. The leucine at codon 370 is replaced by serine, an amino acid with dissimilar properties. This amino acid position is conserved. In addition, this alteration is predicted to be tolerated by in silico analysis. Based on the available evidence, the clinical significance of this variant remains unclear.

NM_005732.4(RAD50):c.1109T>C (p.Leu370Ser)

Gene: RAD50 (RAD50 double strand break repair protein; plus strand). Cytogenetic location: 5q31.1.
Variant type: single nucleotide variant.
Coding change: c.1109T>C on transcript NM_005732.4 (MANE Select); coding-DNA position 1109, T replaced by C.
Protein change: p.Leu370Ser; replaces leucine 370 with serine.
Molecular consequence: missense variant.
Genome position (GRCh38, 1-based): chr5:132,588,744, T>C. VCF-style: chr5-132588744-T-C. GRCh37 (hg19) VCF-style: chr5-131924436-T-C.
Other names: short protein forms L370S.
Identifiers: ClinVar variation 3151030 (VCV003151030.2), dbSNP rs2149841086, ClinGen allele CA360942364.